The following is an entry in ClinVar:

ClinVar aggregate classification (germline): Uncertain significance (1 of 4 stars; one submission).

Conditions:
Hereditary cancer-predisposing syndrome. Also called: Neoplastic Syndromes, Hereditary; Tumor predisposition; Hereditary Cancer Syndrome; Hereditary neoplastic syndrome. Identifiers: Orphanet 140162, MedGen C0027672, MeSH D009386, MONDO:0015356.

Submission:

Ambry Genetics
Classification: Uncertain significance for Hereditary cancer-predisposing syndrome. Last evaluated: 2026-01-24. Review status: criteria provided, single submitter. Criteria: Ambry Variant Classification Scheme 2023. Collection method: clinical testing. Allele origin: germline.
Comment: The p.I678V variant (also known as c.2032A>G), located in coding exon 12 of the PMS2 gene, results from an A to G substitution at nucleotide position 2032. The isoleucine at codon 678 is replaced by valine, an amino acid with highly similar properties. This amino acid position is conserved. In addition, this alteration is predicted to be tolerated by in silico analysis. Based on the available evidence, the clinical significance of this variant remains unclear.

NM_000535.7(PMS2):c.2032A>G (p.Ile678Val)

Gene: PMS2 (PMS1 homolog 2, mismatch repair system component; minus strand). Cytogenetic location: 7p22.1.
Variant type: single nucleotide variant.
Coding change: c.2032A>G on transcript NM_000535.7 (MANE Select); coding-DNA position 2032, A replaced by G.
Protein change: p.Ile678Val; replaces isoleucine 678 with valine.
Molecular consequence: missense variant. On other transcripts: non-coding transcript variant (1), intron variant (4).
Genome position (GRCh38, 1-based): chr7:5,982,966, T>C on the plus strand (A>G on the coding strand, the complement: PMS2 is on the minus strand). VCF-style: chr7-5982966-T-C. GRCh37 (hg19) VCF-style: chr7-6022597-T-C.
Other names: c.1627A>G, p.Ile543Val (NM_001322003.2, NM_001322004.2, NM_001322005.2 and 14 more transcripts); c.1876A>G, p.Ile626Val (NM_001322006.2, NM_001406870.1); c.1714A>G, p.Ile572Val (NM_001322007.2, NM_001322008.2, NM_001406876.1 and 1 more transcripts); c.1471A>G, p.Ile491Val (NM_001322010.2, NM_001406906.1, NM_001406907.1); c.1099A>G, p.Ile367Val (NM_001322011.2, NM_001322012.2); c.1459A>G, p.Ile487Val (NM_001322013.2, NM_001406909.1); c.2032A>G, p.Ile678Val (NM_001322014.2, NM_001406871.1); c.1723A>G, p.Ile575Val (NM_001322015.2, NM_001406875.1, NM_001406877.1 and 5 more transcripts); and 16 more; short protein forms I277V, I520V, I572V, I575V, I612V, I626V, I421V, I523V.
Identifiers: ClinVar variation 4831345 (VCV004831345.1).
Genomic context (GRCh38, chr7:5,982,966, plus strand): 5'-CTATGAAGATATCCTCATTCAGTTTGGTTATTATAAATCCCAGGTTAAACTGACCAATGA[T>C]TTCCATTTCTGCAAACATCGTTTTACTGCAGGTAGAAAATGTTAATTATCAGACATTTTA-3'
Protein context (NP_000526.2, residues 668-688): ISKTMFAEME[Ile678Val]IGQFNLGFII